The following is an entry in ClinVar:

ClinVar aggregate classification (germline): Pathogenic. Review status: criteria provided, multiple submitters, no conflicts (2 of 4 stars). 2 submissions from 2 submitters: Pathogenic (2). Last evaluated 2022-12-05.

Conditions:
Treacher Collins syndrome 1 (TCS1). Also called: TCOF1-Related Treacher Collins Syndrome. Identifiers: Orphanet 861, MedGen CN315775, MONDO:0007944, OMIM 154500.

Submissions (2):

GeneDx
Classification: Pathogenic. Last evaluated: 2022-12-05. Review status: criteria provided, single submitter. Criteria: GeneDx Variant Classification Process June 2021. Collection method: clinical testing. Allele origin: germline. Affected: yes.
Comment: Frameshift variant predicted to result in protein truncation, as the last 36 amino acids are replaced with 120 different amino acids, and other loss-of-function variants have been reported downstream in HGMD; Not observed at significant frequency in large population cohorts (gnomAD); Has not been previously published as pathogenic or benign to our knowledge

Labcorp Genetics (formerly Invitae), Labcorp
Classification: Pathogenic for Treacher Collins syndrome 1. Last evaluated: 2017-10-16. Review status: criteria provided, single submitter. Criteria: Invitae Variant Classification Sherloc (09022015). Collection method: clinical testing. Allele origin: germline.
Comment: For these reasons, this variant has been classified as Pathogenic. Many different insertion and deletion variants in this region have been reported in individuals affected with Treacher-Collins syndrome, and therefore is considered to be a mutational hotspot (PMID: 12114482). These include several downstream variants (c.4362_4365delAAAA, c.4365delA, c.4366_4369delGAAA) which result in similar shifts in the read-frame and extension of the TCOF1 protein (PMID: 12114482, 22317976). This suggests that disruption of this region of the TCOF1 protein is causative of disease. This variant has not been reported in the literature in individuals with TCOF1-related disease. This variant is not present in population databases (ExAC no frequency). This sequence change deletes 4 nucleotides from exon 25 the TCOF1 gene, causing a frameshift at codon 1453 (p.Glu1453Lysfs*121). While this is not anticipated to result in nonsense mediated decay, it is expected to disrupt the last 36 amino acids of the TCOF1 protein, and to extend the protein by an additional 84 amino acids.

Literature cited by the submitters: PubMed 12114482 (cited by Labcorp Genetics (formerly Invitae), Labcorp); PubMed 22317976 (cited by Labcorp Genetics (formerly Invitae), Labcorp).

NM_001371623.1(TCOF1):c.4360_4363del (p.Glu1454fs)

Gene: TCOF1 (treacle ribosome biogenesis factor 1; plus strand). Cytogenetic location: 5q32.
Variant type: Deletion.
Coding change: c.4360_4363del on transcript NM_001371623.1 (MANE Select); coding-DNA positions 4360 to 4363, 4 bases deleted (GAAA; older notation c.4360_4363delGAAA).
Protein change: p.Glu1454fs; shifts the reading frame from glutamic acid 1454.
Molecular consequence: frameshift variant.
Genome position (GRCh38, 1-based): chr5:150,398,368-150,398,371, GAAA deleted; deleting any 4 consecutive bases within chr5:150,398,365-150,398,371 gives the same sequence; the c. name uses the placement nearest the transcript's 3' end. VCF-style (leftmost placement, unchanged base first): chr5-150398364-CAAAG-C. GRCh37 (hg19) VCF-style: chr5-149777927-CAAAG-C.
Other names: c.4357_4360delGAAA (NM_001135243.1); c.4126_4129del, p.Glu1376fs (NM_000356.4); c.4357_4360del, p.Glu1453fs (NM_001135243.2); c.4246_4249del, p.Glu1416fs (NM_001135244.2); c.4129_4132del, p.Glu1377fs (NM_001135245.2); c.4243_4246del, p.Glu1415fs (NM_001195141.2); short protein forms E1377fs, E1415fs, E1453fs, E1376fs, E1416fs, E1454fs.
Identifiers: ClinVar variation 452460 (VCV000452460.11), dbSNP rs1554081112, ClinGen allele CA645555270.